The following is an entry in ClinVar:

ClinVar aggregate classification (germline): Pathogenic. Review status: criteria provided, multiple submitters, no conflicts (2 of 4 stars). 2 submissions from 2 submitters: Pathogenic (2). Last evaluated 2022-03-08.

Conditions:
Severe X-linked myotubular myopathy (CNMX). Also called: MYOTUBULAR MYOPATHY 1; X-linked centronuclear myopathy; Myotubular myopathy, X-linked. Identifiers: Orphanet 596, MedGen C0410203, MONDO:0010683, OMIM 310400.

Submissions (2):

Labcorp Genetics (formerly Invitae), Labcorp
Classification: Pathogenic for Severe X-linked myotubular myopathy. Last evaluated: 2022-03-08. Review status: criteria provided, single submitter. Criteria: Invitae Variant Classification Sherloc (09022015). Collection method: clinical testing. Allele origin: germline.
Comment: For these reasons, this variant has been classified as Pathogenic. Algorithms developed to predict the effect of sequence changes on RNA splicing suggest that this variant may disrupt the consensus splice site. ClinVar contains an entry for this variant (Variation ID: 211530). This variant has been observed in individual(s) with myopathy (Invitae). This variant is not present in population databases (gnomAD no frequency). This variant results in the deletion of part of exon 12 (c.1349_1353+4del) of the MTM1 gene. It is expected to disrupt RNA splicing. Variants that disrupt the donor or acceptor splice site typically lead to a loss of protein function (PMID: 16199547), and loss-of-function variants in MTM1 are known to be pathogenic (PMID: 9305655, 10063835).

Genetic Services Laboratory, University of Chicago
Classification: Pathogenic for Myotubular myopathy, X-linked. Last evaluated: 2013-02-08. Review status: criteria provided, single submitter. Criteria: ACMG Guidelines, 2007. Collection method: clinical testing. Allele origin: germline. Affected: yes.

Literature cited by the submitters: PubMed 16199547 (cited by Labcorp Genetics (formerly Invitae), Labcorp); PubMed 9305655 (cited by Labcorp Genetics (formerly Invitae), Labcorp); PubMed 10063835 (cited by Labcorp Genetics (formerly Invitae), Labcorp).

NM_000252.3(MTM1):c.1349_1353+4del

Gene: MTM1 (myotubularin 1; plus strand). Cytogenetic location: Xq28.
Variant type: Deletion.
Coding change: c.1349_1353+4del on transcript NM_000252.3 (MANE Select); coding-DNA position 1349 through 4 bases into the intron after coding-DNA position 1353, 9 bases deleted (AACAGGTAA; older notation c.1349_1353+4delAACAGGTAA).
Molecular consequence: splice donor variant.
Genome position (GRCh38, 1-based): chrX:150,659,752-150,659,760, AACAGGTAA deleted; deleting any 9 consecutive bases within chrX:150,659,750-150,659,760 gives the same sequence; the c. name uses the placement nearest the transcript's 3' end. VCF-style (leftmost placement, unchanged base first): chrX-150659749-CAAAACAGGT-C. GRCh37 (hg19) VCF-style: chrX-149828222-CAAAACAGGT-C.
Other names: c.1349_1353+4del (NM_001376908.1, NM_001376906.1); c.1238_1242+4del (NM_001376907.1).
Identifiers: ClinVar variation 211530 (VCV000211530.14), dbSNP rs797045715, ClinGen allele CA277057.